The following is an entry in ClinVar:

ClinVar aggregate classification (germline): Likely benign. Review status: criteria provided, multiple submitters, no conflicts (2 of 4 stars). 3 submissions from 3 submitters: Likely benign (2). 1 of the submissions does not count toward it. Last evaluated 2025-08-18.

Conditions:
FKBP10-related disorder. Also called: FKBP10-related condition.

Allele frequency attached by ClinVar (database versions not stated): ExAC 0.00003; TOPMed 0.00003; gnomAD exomes 0.00008.

Submissions (3):

Labcorp Genetics (formerly Invitae), Labcorp
Classification: Likely benign. Last evaluated: 2025-08-18. Review status: criteria provided, single submitter. Criteria: Invitae Variant Classification Sherloc (09022015). Collection method: clinical testing. Allele origin: germline.

Blueprint Genetics
Classification: Likely benign. Last evaluated: 2023-02-22. Review status: criteria provided, single submitter. Criteria: ACMG Guidelines, 2015. Collection method: clinical testing. Allele origin: germline.

PreventionGenetics, part of Exact Sciences
Classification: Likely benign for FKBP10-related condition. Last evaluated: 2019-06-20. Review status: no assertion criteria provided. Collection method: clinical testing. Allele origin: germline. Not counted in ClinVar's aggregate classification.
Comment: This variant is classified as likely benign based on ACMG/AMP sequence variant interpretation guidelines (Richards et al. 2015 PMID: 25741868, with internal and published modifications).

NM_021939.4(FKBP10):c.765C>T (p.His255=)

Gene: FKBP10 (FKBP prolyl isomerase 10; plus strand). Cytogenetic location: 17q21.2.
Variant type: single nucleotide variant.
Coding change: c.765C>T on transcript NM_021939.4 (MANE Select); coding-DNA position 765, C replaced by T.
Protein change: p.His255=; no amino-acid change (histidine 255 retained).
Molecular consequence: synonymous variant.
Genome position (GRCh38, 1-based): chr17:41,819,247, C>T. VCF-style: chr17-41819247-C-T. GRCh37 (hg19) VCF-style: chr17-39975499-C-T.
Identifiers: ClinVar variation 2725396 (VCV002725396.6), dbSNP rs782139694, ClinGen allele CA8566356.
Genomic context (GRCh38, chr17:41,819,247, plus strand): 5'-TTCAAGCCCTATCCCTTCCCCAGGGACAGTGATCCCCCCACAGGCCTCGCTGGTCTTTCA[C>T]GTCCTCCTGATTGACGTGCACAACCCGAAGGACGCTGTCCAGCTAGAGACGCTGGAGCTC-3'
Protein context (NP_068758.3, residues 245-265): VIPPQASLVF[His255=]VLLIDVHNPK